The following is an entry in ClinVar:

ClinVar aggregate classification (germline): Uncertain significance. Review status: criteria provided, multiple submitters, no conflicts (2 of 4 stars). 2 submissions from 2 submitters: Uncertain significance (2). Last evaluated 2025-05-27.

Conditions:
Microcephaly, normal intelligence and immunodeficiency (NBS). Also called: BERLIN BREAKAGE SYNDROME; SEEMANOVA SYNDROME II; Ataxia telangiectasia variant V1; IMMUNODEFICIENCY, MICROCEPHALY, AND CHROMOSOMAL INSTABILITY; Immunodeficiency, microcephaly with normal intelligence; Nijmegen breakage syndrome. Identifiers: Orphanet 647, MedGen C0398791, MONDO:0009623, OMIM 251260.
Hereditary cancer-predisposing syndrome. Also called: Hereditary neoplastic syndrome; Tumor predisposition; Hereditary Cancer Syndrome; Neoplastic Syndromes, Hereditary. Identifiers: Orphanet 140162, MedGen C0027672, MeSH D009386, MONDO:0015356.

Submissions (2):

Ambry Genetics
Classification: Uncertain significance for Hereditary cancer-predisposing syndrome. Last evaluated: 2025-05-27. Review status: criteria provided, single submitter. Criteria: Ambry Variant Classification Scheme 2023. Collection method: clinical testing. Allele origin: germline.
Comment: The p.E636D variant (also known as c.1908A>C), located in coding exon 12 of the NBN gene, results from an A to C substitution at nucleotide position 1908. The glutamic acid at codon 636 is replaced by aspartic acid, an amino acid with highly similar properties. This amino acid position is conserved. In addition, this alteration is predicted to be tolerated by in silico analysis. Based on the available evidence, the clinical significance of this variant remains unclear.

Labcorp Genetics (formerly Invitae), Labcorp
Classification: Uncertain significance for Microcephaly, normal intelligence and immunodeficiency. Last evaluated: 2022-01-11. Review status: criteria provided, single submitter. Criteria: Invitae Variant Classification Sherloc (09022015). Collection method: clinical testing. Allele origin: germline.
Comment: In summary, the available evidence is currently insufficient to determine the role of this variant in disease. Therefore, it has been classified as a Variant of Uncertain Significance. Algorithms developed to predict the effect of missense changes on protein structure and function output the following: SIFT: "Tolerated"; PolyPhen-2: "Benign"; Align-GVGD: "Class C0". The aspartic acid amino acid residue is found in multiple mammalian species, which suggests that this missense change does not adversely affect protein function. ClinVar contains an entry for this variant (Variation ID: 574939). This variant has not been reported in the literature in individuals affected with NBN-related conditions. This variant is not present in population databases (gnomAD no frequency). This sequence change replaces glutamic acid, which is acidic and polar, with aspartic acid, which is acidic and polar, at codon 636 of the NBN protein (p.Glu636Asp).

NM_002485.5(NBN):c.1908A>C (p.Glu636Asp)

Genes: NBN (nibrin; minus strand), LOC126860438 (MED14-independent group 3 enhancer GRCh37_chr8:90959982-90961181; plus strand). Cytogenetic location: 8q21.3.
Variant type: single nucleotide variant.
Coding change: c.1908A>C on transcript NM_002485.5 (MANE Select); coding-DNA position 1908, A replaced by C.
Protein change: p.Glu636Asp; replaces glutamic acid 636 with aspartic acid.
Molecular consequence: missense variant.
Genome position (GRCh38, 1-based): chr8:89,947,830, T>G on the plus strand (A>C on the coding strand, the complement: NBN is on the minus strand). VCF-style: chr8-89947830-T-G. GRCh37 (hg19) VCF-style: chr8-90960058-T-G.
Other names: c.1662A>C, p.Glu554Asp (NM_001024688.3); short protein forms E636D, E554D.
Identifiers: ClinVar variation 574939 (VCV000574939.10), dbSNP rs1563516272, ClinGen allele CA371677191.
Genomic context (GRCh38, chr8:89,947,830, plus strand): 5'-GATGACAGTCCCCGTAAGCCAAATCTGTATAAAAATTAATAAAACGTTTCTCACAGATAT[T>G]TCTTTAGCTGACCATAGTGAGTCTTCCTTGAGTTCACGTTTCTTCCCAATTTCATTTTCT-3'
Protein context (NP_002476.2, residues 626-646): LKEDSLWSAK[Glu636Asp]ISNNDKLQDD